The following is an entry in ClinVar:

NM_001242896.3(DEPDC5):c.2731G>A (p.Glu911Lys)

Gene: DEPDC5 (DEP domain containing 5, GATOR1 subcomplex subunit; plus strand). Cytogenetic location: 22q12.3.
Variant type: single nucleotide variant.
Coding change: c.2731G>A on transcript NM_001242896.3 (MANE Select); coding-DNA position 2731, G replaced by A.
Protein change: p.Glu911Lys; replaces glutamic acid 911 with lysine.
Molecular consequence: missense variant. On other transcripts: non-coding transcript variant (5).
Genome position (GRCh38, 1-based): chr22:31,843,742, G>A. VCF-style: chr22-31843742-G-A. GRCh37 (hg19) VCF-style: chr22-32239728-G-A.
Other names: c.2704G>A, p.Glu902Lys (NM_001136029.4, NM_001369903.1, NM_014662.6); c.2497G>A, p.Glu833Lys (NM_001242897.2, NM_001363854.2, NM_001364319.2); c.2731G>A, p.Glu911Lys (NM_001363852.2, NM_001364318.2, NM_001364320.2); c.2647G>A, p.Glu883Lys (NM_001369901.1, NM_001369902.1); short protein forms E911K, E883K, E833K, E902K.
Identifiers: ClinVar variation 658668 (VCV000658668.14), dbSNP rs1214608865, ClinGen allele CA411289942.

ClinVar aggregate classification (germline): Uncertain significance. Review status: criteria provided, multiple submitters, no conflicts (2 of 4 stars). 4 submissions from 4 submitters: Uncertain significance (4). Last evaluated 2023-08-22.

Conditions:
Familial focal epilepsy with variable foci (FPEVF). Identifiers: Orphanet 98820, MedGen C1858477, MONDO:0020310.
Inborn genetic diseases. Identifiers: MedGen C0950123, MeSH D030342.

Allele frequency attached by ClinVar (database versions not stated): gnomAD exomes below 0.00001; gnomAD 0.00001; TOPMed 0.00001.
gnomAD v4.1: 3 of 1,613,888 alleles (0.00019%); highest among the groups gnomAD compares: Non-Finnish European, 0.00017%; no homozygotes.

Submissions (4):

Labcorp Genetics (formerly Invitae), Labcorp
Classification: Uncertain significance for Familial focal epilepsy with variable foci. Last evaluated: 2023-08-22. Review status: criteria provided, single submitter. Criteria: Invitae Variant Classification Sherloc (09022015). Collection method: clinical testing. Allele origin: germline.
Comment: This sequence change replaces glutamic acid, which is acidic and polar, with lysine, which is basic and polar, at codon 911 of the DEPDC5 protein (p.Glu911Lys). In summary, the available evidence is currently insufficient to determine the role of this variant in disease. Therefore, it has been classified as a Variant of Uncertain Significance. Experimental studies and prediction algorithms are not available or were not evaluated, and the functional significance of this variant is currently unknown. ClinVar contains an entry for this variant (Variation ID: 658668). This variant has not been reported in the literature in individuals affected with DEPDC5-related conditions. This variant is present in population databases (no rsID available, gnomAD 0.0009%).

GeneDx
Classification: Uncertain significance. Last evaluated: 2023-05-10. Review status: criteria provided, single submitter. Criteria: GeneDx Variant Classification Process June 2021. Collection method: clinical testing. Allele origin: germline. Affected: yes.
Comment: Not observed at significant frequency in large population cohorts (gnomAD); In silico analysis supports that this missense variant has a deleterious effect on protein structure/function; Has not been previously published as pathogenic or benign to our knowledge

Blueprint Genetics
Classification: Uncertain significance. Last evaluated: 2020-09-02. Review status: criteria provided, single submitter. Criteria: ACMG Guidelines, 2015. Collection method: clinical testing. Allele origin: germline.

Ambry Genetics
Classification: Uncertain significance for Inborn genetic diseases. Last evaluated: 2020-03-25. Review status: criteria provided, single submitter. Criteria: Ambry Variant Classification Scheme 2023. Collection method: clinical testing. Allele origin: germline.
Comment: The p.E911K variant (also known as c.2731G>A), located in coding exon 28 of the DEPDC5 gene, results from a G to A substitution at nucleotide position 2731. The glutamic acid at codon 911 is replaced by lysine, an amino acid with similar properties. This amino acid position is highly conserved in available vertebrate species. In addition, the in silico prediction for this alteration is inconclusive. Since supporting evidence is limited at this time, the clinical significance of this alteration remains unclear.